The following is an entry in ClinVar:

NM_152296.5(ATP1A3):c.859G>T (p.Gly287Cys)

Gene: ATP1A3 (ATPase Na+/K+ transporting subunit alpha 3; minus strand). Cytogenetic location: 19q13.2.
Variant type: single nucleotide variant.
Coding change: c.859G>T on transcript NM_152296.5 (MANE Select); coding-DNA position 859, G replaced by T.
Protein change: p.Gly287Cys; replaces glycine 287 with cysteine.
Molecular consequence: missense variant.
Genome position (GRCh38, 1-based): chr19:41,985,052, C>A on the plus strand (G>T on the coding strand, the complement: ATP1A3 is on the minus strand). VCF-style: chr19-41985052-C-A. GRCh37 (hg19) VCF-style: chr19-42489204-C-A.
Other names: c.892G>T, p.Gly298Cys (NM_001256213.2); c.898G>T, p.Gly300Cys (NM_001256214.2); short protein forms G298C, G300C, G287C.
Identifiers: ClinVar variation 2154375 (VCV002154375.17), dbSNP rs1279680384, ClinGen allele CA406052739.
Genomic context (GRCh38, chr19:41,985,052, plus strand): 5'-AGGTGTATCCGAGAATGAGGGAGAGGATGAAGAAGGAGACACCCAGGAAGACAGCCACGC[C>A]GGTGATGAGCTGGATGAAGTGCTCAATCTCGATGGCGATGGGCGTCTTGCCCACCTCCAG-3'
Protein context (NP_689509.1, residues 277-297): EIEHFIQLIT[Gly287Cys]VAVFLGVSFF

ClinVar aggregate classification (germline): Uncertain significance. Review status: criteria provided, multiple submitters, no conflicts (2 of 4 stars). 2 submissions from 2 submitters: Uncertain significance (2). Last evaluated 2025-02-01.

Conditions:
Dystonia 12 (DYT12). Also called: Rapid-Onset Dystonia-Parkinsonism (RDP); DYT-ATP1A3. Identifiers: Orphanet 71517, MedGen C1868681, MONDO:0007496, OMIM 128235.

Allele frequency attached by ClinVar (database versions not stated): TOPMed below 0.00001; gnomAD 0.00001.
gnomAD v4.1: 2 of 1,613,768 alleles (0.00012%); highest among the groups gnomAD compares: Non-Finnish European, 0.00017%; no homozygotes.

Submissions (2):

CeGaT Center for Human Genetics Tuebingen
Classification: Uncertain significance. Last evaluated: 2025-02-01. Review status: criteria provided, single submitter. Criteria: CeGaT Center For Human Genetics Tuebingen Variant Classification Criteria Version 2. Collection method: clinical testing. Allele origin: germline. Affected: yes. Observed: 1 variant allele.
Comment: ATP1A3: PM2, PP2, PP3

Labcorp Genetics (formerly Invitae), Labcorp
Classification: Uncertain significance for Dystonia 12. Last evaluated: 2023-07-16. Review status: criteria provided, single submitter. Criteria: Invitae Variant Classification Sherloc (09022015). Collection method: clinical testing. Allele origin: germline.
Comment: This sequence change replaces glycine, which is neutral and non-polar, with cysteine, which is neutral and slightly polar, at codon 287 of the ATP1A3 protein (p.Gly287Cys). This variant is not present in population databases (gnomAD no frequency). In summary, the available evidence is currently insufficient to determine the role of this variant in disease. Therefore, it has been classified as a Variant of Uncertain Significance. Advanced modeling of protein sequence and biophysical properties (such as structural, functional, and spatial information, amino acid conservation, physicochemical variation, residue mobility, and thermodynamic stability) performed at Invitae indicates that this missense variant is expected to disrupt ATP1A3 protein function. ClinVar contains an entry for this variant (Variation ID: 2154375). This variant has not been reported in the literature in individuals affected with ATP1A3-related conditions.